The following is an entry in ClinVar:

ClinVar aggregate classification (germline): Uncertain significance (1 of 4 stars; one submission).

Conditions:
Hypertrophic cardiomyopathy. Also called: HYPERTROPHIC MYOCARDIOPATHY. Identifiers: Orphanet 217569, MedGen C0007194, MeSH D002312, MONDO:0005045, HP:0001639.

Allele frequency attached by ClinVar (database versions not stated): gnomAD exomes below 0.00001 and 0.00001; TOPMed below 0.00001; ExAC 0.00002.
gnomAD v4.1: 2 of 1,613,950 alleles (0.00012%); highest among the groups gnomAD compares: Admixed American, 0.0033%; no homozygotes.

Submission:

Labcorp Genetics (formerly Invitae), Labcorp
Classification: Uncertain significance for Hypertrophic cardiomyopathy. Last evaluated: 2021-10-28. Review status: criteria provided, single submitter. Criteria: Invitae Variant Classification Sherloc (09022015). Collection method: clinical testing. Allele origin: germline.
Comment: In summary, the available evidence is currently insufficient to determine the role of this variant in disease. Therefore, it has been classified as a Variant of Uncertain Significance. Algorithms developed to predict the effect of missense changes on protein structure and function (SIFT, PolyPhen-2, Align-GVGD) all suggest that this variant is likely to be tolerated. This variant has not been reported in the literature in individuals affected with MYOM1-related conditions. This variant is present in population databases (rs781647654, gnomAD 0.006%). This sequence change replaces leucine, which is neutral and non-polar, with proline, which is neutral and non-polar, at codon 123 of the MYOM1 protein (p.Leu123Pro).

NM_003803.4(MYOM1):c.368T>C (p.Leu123Pro)

Gene: MYOM1 (myomesin 1; minus strand). Cytogenetic location: 18p11.31.
Variant type: single nucleotide variant.
Coding change: c.368T>C on transcript NM_003803.4 (MANE Select); coding-DNA position 368, T replaced by C.
Protein change: p.Leu123Pro; replaces leucine 123 with proline.
Molecular consequence: missense variant.
Genome position (GRCh38, 1-based): chr18:3,193,881, A>G on the plus strand (T>C on the coding strand, the complement: MYOM1 is on the minus strand). VCF-style: chr18-3193881-A-G. GRCh37 (hg19) VCF-style: chr18-3193879-A-G.
Other names: c.368T>C, p.Leu123Pro (NM_019856.2); short protein forms L123P.
Identifiers: ClinVar variation 1486494 (VCV001486494.6), dbSNP rs781647654, ClinGen allele CA8875268.
Genomic context (GRCh38, chr18:3,193,881, plus strand): 5'-CCTGAGAAAATGGGTACCATGTAGTCACTGGGCAAATTTTCTTTCTCTTCTCCAGACAGT[A>G]GGCTGTGCTTGGCTCTCTTTGGTTTGGGGCTCAACTTGGATGAATAATCATCTAACAGCA-3'
Protein context (NP_003794.3, residues 113-133): SPKPKRAKHS[Leu123Pro]LSGEEKENLP